The following is an entry in ClinVar:

NM_002016.2(FLG):c.2707A>G (p.Arg903Gly)

Genes: CCDST (cervical cancer associated DHX9 suppressive transcript; plus strand), FLG (filaggrin; minus strand). Cytogenetic location: 1q21.3.
Variant type: single nucleotide variant.
Coding change: c.2707A>G on transcript NM_002016.2 (MANE Select); coding-DNA position 2707, A replaced by G.
Protein change: p.Arg903Gly; replaces arginine 903 with glycine.
Molecular consequence: missense variant.
Genome position (GRCh38, 1-based): chr1:152,312,179, T>C on the plus strand (A>G on the coding strand, the complement: FLG is on the minus strand). VCF-style: chr1-152312179-T-C. GRCh37 (hg19) VCF-style: chr1-152284655-T-C.
Other names: short protein forms R903G.
Identifiers: ClinVar variation 2498419 (VCV002498419.30), dbSNP rs769480286, ClinGen allele CA1107039.
Genomic context (GRCh38, chr1:152,312,179, plus strand): 5'-AGATGTCGGCATGAGAGGAAGCTTCATGGTGACGTGACCCTGAGTGCCTGGAGCCGTCTC[T>C]TGATTGTTCCTCATTACGTGTTGTTCTGCTTGCACTTCTGGATCCTGACTGCCCACGGGA-3'
Protein context (NP_002007.1, residues 893-913): SRTTRNEEQS[Arg903Gly]DGSRHSGSRH

ClinVar aggregate classification (germline): Likely benign. Review status: criteria provided, multiple submitters, no conflicts (2 of 4 stars). 3 submissions from 3 submitters: Likely benign (3). Last evaluated 2024-10-25.

Conditions:
Inborn genetic diseases. Identifiers: MedGen C0950123, MeSH D030342.

Allele frequency attached by ClinVar (database versions not stated): ExAC 0.00030; gnomAD exomes 0.00033.

Submissions (3):

Blueprint Genetics
Classification: Likely benign. Last evaluated: 2024-10-25. Review status: criteria provided, single submitter. Criteria: ACMG Guidelines, 2015. Collection method: clinical testing. Allele origin: germline.

CeGaT Center for Human Genetics Tuebingen
Classification: Likely benign. Last evaluated: 2024-09-01. Review status: criteria provided, single submitter. Criteria: CeGaT Center For Human Genetics Tuebingen Variant Classification Criteria Version 2. Collection method: clinical testing. Allele origin: germline. Affected: yes. Observed: 2 variant alleles.
Comment: FLG: BP4

Ambry Genetics
Classification: Likely benign for Inborn genetic diseases. Last evaluated: 2023-10-20. Review status: criteria provided, single submitter. Criteria: Ambry Variant Classification Scheme 2023. Collection method: clinical testing. Allele origin: germline.